The following is an entry in ClinVar:

NM_000443.4(ABCB4):c.2586A>G (p.Ala862=)

Gene: ABCB4 (ATP binding cassette subfamily B member 4; minus strand). Cytogenetic location: 7q21.12.
Variant type: single nucleotide variant.
Coding change: c.2586A>G on transcript NM_000443.4 (MANE Select); coding-DNA position 2586, A replaced by G.
Protein change: p.Ala862=; no amino-acid change (alanine 862 retained).
Molecular consequence: synonymous variant.
Genome position (GRCh38, 1-based): chr7:87,417,408, T>C on the plus strand (A>G on the coding strand, the complement: ABCB4 is on the minus strand). VCF-style: chr7-87417408-T-C. GRCh37 (hg19) VCF-style: chr7-87046724-T-C.
Other names: c.2586A>G, p.Ala862= (NM_018849.3, NM_018850.3).
Identifiers: ClinVar variation 508963 (VCV000508963.1), dbSNP rs1554400942, ClinGen allele CA456358453.

ClinVar aggregate classification (germline): Likely benign (1 of 4 stars; one submission).

Allele frequency attached by ClinVar (database versions not stated): gnomAD exomes below 0.00001.
gnomAD v4.1: 1 of 1,614,146 alleles (0.000062%); highest among the groups gnomAD compares: African/African-American, 0.0013%; no homozygotes.

Submission:

GeneDx
Classification: Likely benign. Last evaluated: 2017-04-28. Review status: criteria provided, single submitter. Criteria: GeneDx Variant Classification (06012015). Collection method: clinical testing. Allele origin: germline. Affected: yes.
Comment: This variant is considered likely benign or benign based on one or more of the following criteria: it is a conservative change, it occurs at a poorly conserved position in the protein, it is predicted to be benign by multiple in silico algorithms, and/or has population frequency not consistent with disease.